The following is an entry in ClinVar:

ClinVar aggregate classification (germline): Uncertain significance (1 of 4 stars; one submission).

Submission:

Labcorp Genetics (formerly Invitae), Labcorp
Classification: Uncertain significance. Last evaluated: 2025-12-27. Review status: criteria provided, single submitter. Criteria: Invitae Variant Classification Sherloc (09022015). Collection method: clinical testing. Allele origin: germline.
Comment: This sequence change replaces alanine, which is neutral and non-polar, with proline, which is neutral and non-polar, at codon 309 of the KRT5 protein (p.Ala309Pro). This variant is not present in population databases (gnomAD no frequency). This variant has not been reported in the literature in individuals affected with KRT5-related conditions. An algorithm developed to predict the effect of missense changes on protein structure and function (PolyPhen-2) suggests that this variant is likely to be disruptive. In summary, the available evidence is currently insufficient to determine the role of this variant in disease. Therefore, it has been classified as a Variant of Uncertain Significance.

NM_000424.4(KRT5):c.925G>C (p.Ala309Pro)

Gene: KRT5 (keratin 5; minus strand). Cytogenetic location: 12q13.13.
Variant type: single nucleotide variant.
Coding change: c.925G>C on transcript NM_000424.4 (MANE Select); coding-DNA position 925, G replaced by C.
Protein change: p.Ala309Pro; replaces alanine 309 with proline.
Molecular consequence: missense variant.
Genome position (GRCh38, 1-based): chr12:52,517,899, C>G on the plus strand (G>C on the coding strand, the complement: KRT5 is on the minus strand). VCF-style: chr12-52517899-C-G. GRCh37 (hg19) VCF-style: chr12-52911683-C-G.
Other names: short protein forms A309P.
Identifiers: ClinVar variation 4733716 (VCV004733716.1).